The following is an entry in ClinVar:

NM_017617.5(NOTCH1):c.2588-2A>C

Gene: NOTCH1 (notch receptor 1; minus strand). Cytogenetic location: 9q34.3.
Variant type: single nucleotide variant.
Coding change: c.2588-2A>C on transcript NM_017617.5 (MANE Select); the canonical splice acceptor site of the intron before coding-DNA position 2588, A replaced by C.
Molecular consequence: splice acceptor variant.
Genome position (GRCh38, 1-based): chr9:136,510,807, T>G on the plus strand (A>C on the coding strand, the complement: NOTCH1 is on the minus strand). VCF-style: chr9-136510807-T-G. GRCh37 (hg19) VCF-style: chr9-139405259-T-G.
Identifiers: ClinVar variation 384099 (VCV000384099.2), dbSNP rs1057521857, ClinGen allele CA16605480.

ClinVar aggregate classification (germline): Likely pathogenic (1 of 4 stars; one submission).

Submission:

GeneDx
Classification: Likely pathogenic. Last evaluated: 2016-02-29. Review status: criteria provided, single submitter. Criteria: GeneDx Variant Classification (06012015). Collection method: clinical testing. Allele origin: germline. Affected: yes.
Comment: The c.2588-2A>C variant in the NOTCH1 gene has not been reported previously as a pathogenic variant nor as a benign variant, to our knowledge. This splice site variant destroys the canonical splice acceptor site in intron 16. It is predicted to cause abnormal gene splicing, either leading to an abnormal message that is subject to nonsense-mediated mRNA decay, or to an abnormal protein product if the message is used for protein translation. The c.2588-2A>C variant was not observed in approximately 6100 individuals of European and African American ancestry in the NHLBI Exome Sequencing Project, indicating it is not a common benign variant in these populations. The c.2588-2A>C variant is a strong candidate for a pathogenic variant, however the possibility it may be a rare benign variant cannot be excluded.